The following is an entry in ClinVar:

ClinVar aggregate classification (germline): Likely benign (1 of 4 stars; one submission).

Conditions:
NHS-related disorder. Also called: NHS-related condition.

Submission:

PreventionGenetics, part of Exact Sciences
Classification: Likely benign for NHS-related condition. Last evaluated: 2026-04-10. Review status: criteria provided, single submitter. Criteria: ACMG Guidelines, 2015. Collection method: clinical testing. Allele origin: germline.
Comment: This variant is classified as likely benign based on ACMG/AMP sequence variant interpretation guidelines (Richards et al. 2015 PMID: 25741868, with internal and published modifications).

NM_001291867.2(NHS):c.2319T>C (p.Thr773=)

Gene: NHS (NHS actin remodeling regulator; plus strand). Cytogenetic location: Xp22.13.
Variant type: single nucleotide variant.
Coding change: c.2319T>C on transcript NM_001291867.2 (MANE Select); coding-DNA position 2319, T replaced by C.
Protein change: p.Thr773=; no amino-acid change (threonine 773 retained).
Molecular consequence: synonymous variant.
Genome position (GRCh38, 1-based): chrX:17,726,425, T>C. VCF-style: chrX-17726425-T-C. GRCh37 (hg19) VCF-style: chrX-17744545-T-C.
Other names: c.1788T>C, p.Thr596= (NM_001136024.4); c.1725T>C, p.Thr575= (NM_001291868.2); c.1980T>C, p.Thr660= (NM_001440780.1); c.2256T>C, p.Thr752= (NM_198270.4).
Identifiers: ClinVar variation 4980585 (VCV004980585.1).
Genomic context (GRCh38, chrX:17,726,425, plus strand): 5'-CACAAGCATGGCCACTTATGACAGCTTTCTGGAAAAGTCTCCATCAGACAAAGCGGACAC[T>C]AGCTCTCACTTTTCAGTAGACACGGAAGGATACTATACCTCCATGCACTTTGACTGTGGT-3'
Protein context (NP_001278796.1, residues 763-783): LEKSPSDKAD[Thr773=]SSHFSVDTEG